The following is an entry in ClinVar:

NM_014363.6(SACS):c.13156C>T (p.Arg4386Ter)

Gene: SACS (sacsin molecular chaperone; minus strand). Cytogenetic location: 13q12.12.
Variant type: single nucleotide variant.
Coding change: c.13156C>T on transcript NM_014363.6 (MANE Select); coding-DNA position 13156, C replaced by T.
Protein change: p.Arg4386Ter; replaces arginine 4386 with a stop codon.
Molecular consequence: nonsense.
Genome position (GRCh38, 1-based): chr13:23,330,720, G>A on the plus strand (C>T on the coding strand, the complement: SACS is on the minus strand). VCF-style: chr13-23330720-G-A. GRCh37 (hg19) VCF-style: chr13-23904859-G-A.
Other names: c.12715C>T, p.Arg4239Ter (NM_001278055.2); short protein forms R4239*, R4386*.
Identifiers: ClinVar variation 1070396 (VCV001070396.7), dbSNP rs899469618, ClinGen allele CA246648014.

ClinVar aggregate classification (germline): Pathogenic (1 of 4 stars; one submission).

Conditions:
Spastic paraplegia. Identifiers: MedGen C0037772, HP:0001258.

Allele frequency attached by ClinVar (database versions not stated): gnomAD exomes 0.00001.
gnomAD v4.1: 3 of 1,613,980 alleles (0.00019%); highest among the groups gnomAD compares: Admixed American, 0.0017%; no homozygotes.

Submission:

Labcorp Genetics (formerly Invitae), Labcorp
Classification: Pathogenic for Spastic paraplegia. Last evaluated: 2023-11-28. Review status: criteria provided, single submitter. Criteria: Invitae Variant Classification Sherloc (09022015). Collection method: clinical testing. Allele origin: germline.
Comment: This sequence change creates a premature translational stop signal (p.Arg4386*) in the SACS gene. While this is not anticipated to result in nonsense mediated decay, it is expected to disrupt the last 194 amino acid(s) of the SACS protein. This variant is present in population databases (no rsID available, gnomAD 0.003%). This variant has not been reported in the literature in individuals affected with SACS-related conditions. This variant disrupts a region of the SACS protein in which other variant(s) (p.Tyr4538*) have been determined to be pathogenic (Invitae). This suggests that this is a clinically significant region of the protein, and that variants that disrupt it are likely to be disease-causing. For these reasons, this variant has been classified as Pathogenic.